The following is an entry in ClinVar:

ClinVar aggregate classification (germline): Uncertain significance (1 of 4 stars; one submission).

Conditions:
Neurofibromatosis, type 1 (NF1). Also called: Peripheral type neurofibromatosis; Neurofibromatosis, type I; NEUROFIBROMATOSIS, TYPE I, SOMATIC; VON RECKLINGHAUSEN DISEASE. Identifiers: Orphanet 636, MedGen C0027831, MONDO:0018975, OMIM 162200. Disease mechanism: loss of function.

Submission:

Labcorp Genetics (formerly Invitae), Labcorp
Classification: Uncertain significance for Neurofibromatosis, type 1. Last evaluated: 2023-09-05. Review status: criteria provided, single submitter. Criteria: Invitae Variant Classification Sherloc (09022015). Collection method: clinical testing. Allele origin: germline.
Comment: Advanced modeling of protein sequence and biophysical properties (such as structural, functional, and spatial information, amino acid conservation, physicochemical variation, residue mobility, and thermodynamic stability) has been performed at Invitae for this missense variant, however the output from this modeling did not meet the statistical confidence thresholds required to predict the impact of this variant on NF1 protein function. In summary, the available evidence is currently insufficient to determine the role of this variant in disease. Therefore, it has been classified as a Variant of Uncertain Significance. ClinVar contains an entry for this variant (Variation ID: 1372968). This variant has not been reported in the literature in individuals affected with NF1-related conditions. This variant is not present in population databases (gnomAD no frequency). This sequence change replaces lysine, which is basic and polar, with glutamic acid, which is acidic and polar, at codon 202 of the NF1 protein (p.Lys202Glu).

NM_001042492.3(NF1):c.604A>G (p.Lys202Glu)

Gene: NF1 (neurofibromin 1; plus strand). Cytogenetic location: 17q11.2.
Variant type: single nucleotide variant.
Coding change: c.604A>G on transcript NM_001042492.3 (MANE Select); coding-DNA position 604, A replaced by G.
Protein change: p.Lys202Glu; replaces lysine 202 with glutamic acid.
Molecular consequence: missense variant.
Genome position (GRCh38, 1-based): chr17:31,181,439, A>G. VCF-style: chr17-31181439-A-G. GRCh37 (hg19) VCF-style: chr17-29508457-A-G.
Other names: c.604A>G, p.Lys202Glu (NM_000267.4, NM_001128147.3); short protein forms K202E.
Identifiers: ClinVar variation 1372968 (VCV001372968.6), dbSNP rs2143774078, ClinGen allele CA398989273.
Genomic context (GRCh38, chr17:31,181,439, plus strand): 5'-AACTTATTCTAGAGTTAATTTTTAAAAATTGTGTTTTTTCCAGAAACAGCATTTAAATTT[A>G]AAGCCCTAAAGAAGGTTGCGCAGTTAGCAGTTATAAATAGCCTGGAAAAGGTAAGTTACA-3'
Protein context (NP_001035957.1, residues 192-212): RLLKETAFKF[Lys202Glu]ALKKVAQLAV